The following is an entry in ClinVar:

NM_001048174.2(MUTYH):c.128A>C (p.Gln43Pro)

Gene: MUTYH (mutY DNA glycosylase; minus strand). Cytogenetic location: 1p34.1.
Variant type: single nucleotide variant.
Coding change: c.128A>C on transcript NM_001048174.2 (MANE Select); coding-DNA position 128, A replaced by C.
Protein change: p.Gln43Pro; replaces glutamine 43 with proline.
Molecular consequence: missense variant. On other transcripts: 5 prime UTR variant (1), non-coding transcript variant (5), intron variant (5).
Genome position (GRCh38, 1-based): chr1:45,333,549, T>G on the plus strand (A>C on the coding strand, the complement: MUTYH is on the minus strand). VCF-style: chr1-45333549-T-G. GRCh37 (hg19) VCF-style: chr1-45799221-T-G.
Other names: c.128A>C, p.Gln43Pro (NM_001048171.2, NM_001048173.2, NM_001293195.2 and 6 more transcripts); c.131A>C, p.Gln44Pro (NM_001048172.2, NM_001407071.1, NM_001407078.1 and 2 more transcripts); c.212A>C, p.Gln71Pro (NM_001128425.2); c.173A>C, p.Gln58Pro (NM_001293190.2); c.161A>C, p.Gln54Pro (NM_001293191.2, NM_001407077.1); c.-144A>C (NM_001350650.2); c.203A>C, p.Gln68Pro (NM_001407069.1, NM_012222.3); c.170A>C, p.Gln57Pro (NM_001407073.1, NM_001407083.1, NM_001407085.1); and 4 more; short protein forms Q15P, Q43P, Q71P, Q54P, Q68P, Q50P, Q57P, Q58P.
Identifiers: ClinVar variation 4113506 (VCV004113506.1).

ClinVar aggregate classification (germline): Uncertain significance (1 of 4 stars; one submission).

Conditions:
Hereditary cancer-predisposing syndrome. Also called: Hereditary neoplastic syndrome; Neoplastic Syndromes, Hereditary; Tumor predisposition; Hereditary Cancer Syndrome. Identifiers: Orphanet 140162, MedGen C0027672, MeSH D009386, MONDO:0015356.

Submission:

Ambry Genetics
Classification: Uncertain significance for Hereditary cancer-predisposing syndrome. Last evaluated: 2025-08-27. Review status: criteria provided, single submitter. Criteria: Ambry Variant Classification Scheme 2023. Collection method: clinical testing. Allele origin: germline.
Comment: The p.Q71P variant (also known as c.212A>C), located in coding exon 3 of the MUTYH gene, results from an A to C substitution at nucleotide position 212. The glutamine at codon 71 is replaced by proline, an amino acid with similar properties. This amino acid position is conserved. In addition, this alteration is predicted to be tolerated by in silico analysis. Based on the available evidence, the clinical significance of this variant remains unclear.